The following is an entry in ClinVar:

NM_005876.5(SPEG):c.1351G>A (p.Gly451Arg)

Gene: SPEG (striated muscle enriched protein kinase; plus strand). Cytogenetic location: 2q35.
Variant type: single nucleotide variant.
Coding change: c.1351G>A on transcript NM_005876.5 (MANE Select); coding-DNA position 1351, G replaced by A.
Protein change: p.Gly451Arg; replaces glycine 451 with arginine.
Molecular consequence: missense variant.
Genome position (GRCh38, 1-based): chr2:219,448,509, G>A. VCF-style: chr2-219448509-G-A. GRCh37 (hg19) VCF-style: chr2-220313231-G-A.
Other names: short protein forms G451R.
Identifiers: ClinVar variation 1424040 (VCV001424040.7), dbSNP rs776297641, ClinGen allele CA2125690.

ClinVar aggregate classification (germline): Uncertain significance. Review status: criteria provided, multiple submitters, no conflicts (2 of 4 stars). 2 submissions from 2 submitters: Uncertain significance (2). Last evaluated 2024-09-06.

Conditions:
Myopathy, centronuclear, 5 (CNM5). Identifiers: Orphanet 169186, MedGen C4014814, MONDO:0014418, OMIM 615959.

Allele frequency attached by ClinVar (database versions not stated): TOPMed 0.00001; gnomAD 0.00009; 1000 Genomes Project 30x 0.00016; gnomAD exomes 0.00039; ExAC 0.00174.
gnomAD v4.1: 209 of 1,450,664 alleles (0.014%); highest among the groups gnomAD compares: South Asian, 0.27%; 2 homozygotes.

Submissions (2):

Labcorp Genetics (formerly Invitae), Labcorp
Classification: Uncertain significance. Last evaluated: 2024-09-06. Review status: criteria provided, single submitter. Criteria: Invitae Variant Classification Sherloc (09022015). Collection method: clinical testing. Allele origin: germline.
Comment: This sequence change replaces glycine, which is neutral and non-polar, with arginine, which is basic and polar, at codon 451 of the SPEG protein (p.Gly451Arg). This variant is present in population databases (rs776297641, gnomAD 0.2%). This variant has not been reported in the literature in individuals affected with SPEG-related conditions. ClinVar contains an entry for this variant (Variation ID: 1424040). An algorithm developed to predict the effect of missense changes on protein structure and function outputs the following: PolyPhen-2: "Benign". The arginine amino acid residue is found in multiple mammalian species, which suggests that this missense change does not adversely affect protein function. In summary, the available evidence is currently insufficient to determine the role of this variant in disease. Therefore, it has been classified as a Variant of Uncertain Significance.

Revvity Omics, Revvity
Classification: Uncertain significance for Myopathy, centronuclear, 5. Last evaluated: 2024-04-12. Review status: criteria provided, single submitter. Criteria: ACMG Guidelines, 2015. Collection method: clinical testing. Allele origin: germline.